The following is an entry in ClinVar:

ClinVar aggregate classification (germline): Uncertain significance (1 of 4 stars; one submission).

Conditions:
Peutz-Jeghers syndrome (PJS). Also called: Peutz-Jeghers polyposis; Periorificial lentiginosis syndrome; POLYPOSIS, HAMARTOMATOUS INTESTINAL; POLYPS-AND-SPOTS SYNDROME. Identifiers: Orphanet 2869, MedGen C0031269, MeSH D010580, MONDO:0008280, OMIM 175200.

Submission:

Labcorp Genetics (formerly Invitae), Labcorp
Classification: Uncertain significance for Peutz-Jeghers syndrome. Last evaluated: 2024-12-18. Review status: criteria provided, single submitter. Criteria: Invitae Variant Classification Sherloc (09022015). Collection method: clinical testing. Allele origin: germline.
Comment: This sequence change replaces cysteine, which is neutral and slightly polar, with glycine, which is neutral and non-polar, at codon 391 of the STK11 protein (p.Cys391Gly). This variant is not present in population databases (gnomAD no frequency). This variant has not been reported in the literature in individuals affected with STK11-related conditions. ClinVar contains an entry for this variant (Variation ID: 1387022). Invitae Evidence Modeling of protein sequence and biophysical properties (such as structural, functional, and spatial information, amino acid conservation, physicochemical variation, residue mobility, and thermodynamic stability) indicates that this missense variant is not expected to disrupt STK11 protein function with a negative predictive value of 95%. In summary, the available evidence is currently insufficient to determine the role of this variant in disease. Therefore, it has been classified as a Variant of Uncertain Significance.

NM_000455.5(STK11):c.1171T>G (p.Cys391Gly)

Gene: STK11 (serine/threonine kinase 11; plus strand). Cytogenetic location: 19p13.3.
Variant type: single nucleotide variant.
Coding change: c.1171T>G on transcript NM_000455.5 (MANE Select); coding-DNA position 1171, T replaced by G.
Protein change: p.Cys391Gly; replaces cysteine 391 with glycine.
Molecular consequence: missense variant.
Genome position (GRCh38, 1-based): chr19:1,226,516, T>G. VCF-style: chr19-1226516-T-G. GRCh37 (hg19) VCF-style: chr19-1226515-T-G.
Other names: short protein forms C391G.
Identifiers: ClinVar variation 1387022 (VCV001387022.8), dbSNP rs1214125670, ClinGen allele CA402953505.